The following is an entry in ClinVar:

NM_001540.5(HSPB1):c.487C>A (p.Leu163Met)

Gene: HSPB1 (heat shock protein family B (small) member 1; plus strand). Cytogenetic location: 7q11.23.
Variant type: single nucleotide variant.
Coding change: c.487C>A on transcript NM_001540.5 (MANE Select); coding-DNA position 487, C replaced by A.
Protein change: p.Leu163Met; replaces leucine 163 with methionine.
Molecular consequence: missense variant.
Genome position (GRCh38, 1-based): chr7:76,304,042, C>A. VCF-style: chr7-76304042-C-A. GRCh37 (hg19) VCF-style: chr7-75933359-C-A.
Other names: short protein forms L163M.
Identifiers: ClinVar variation 3721210 (VCV003721210.2).
Genomic context (GRCh38, chr7:76,304,042, plus strand): 5'-AGGCTGCCCCCCGGTGTGGACCCCACCCAAGTTTCCTCCTCCCTGTCCCCTGAGGGCACA[C>A]TGACCGTGGAGGCCCCCATGCCCAAGCTAGCCACGCAGTCCAACGAGATCACCATCCCAG-3'
Protein context (NP_001531.1, residues 153-173): VSSSLSPEGT[Leu163Met]TVEAPMPKLA

ClinVar aggregate classification (germline): Uncertain significance (1 of 4 stars; one submission).

Conditions:
Charcot-Marie-Tooth disease axonal type 2F (CMT2F). Also called: CHARCOT-MARIE-TOOTH DISEASE, NEURONAL, TYPE 2F; Charcot-Marie-Tooth Neuropathy Type 2F. Identifiers: Orphanet 99940, MedGen C1847823, MONDO:0011687, OMIM 606595.

Submission:

Labcorp Genetics (formerly Invitae), Labcorp
Classification: Uncertain significance for Charcot-Marie-Tooth disease axonal type 2F. Last evaluated: 2024-09-29. Review status: criteria provided, single submitter. Criteria: Invitae Variant Classification Sherloc (09022015). Collection method: clinical testing. Allele origin: germline.
Comment: This sequence change replaces leucine, which is neutral and non-polar, with methionine, which is neutral and non-polar, at codon 163 of the HSPB1 protein (p.Leu163Met). This variant is not present in population databases (gnomAD no frequency). This variant has not been reported in the literature in individuals affected with HSPB1-related conditions. Invitae Evidence Modeling of protein sequence and biophysical properties (such as structural, functional, and spatial information, amino acid conservation, physicochemical variation, residue mobility, and thermodynamic stability) has been performed for this missense variant. However, the output from this modeling did not meet the statistical confidence thresholds required to predict the impact of this variant on HSPB1 protein function. In summary, the available evidence is currently insufficient to determine the role of this variant in disease. Therefore, it has been classified as a Variant of Uncertain Significance.